The following is an entry in ClinVar:

ClinVar aggregate classification (germline): Likely benign. Review status: criteria provided, multiple submitters, no conflicts (2 of 4 stars). 4 submissions from 4 submitters: Likely benign (2). 2 of the submissions do not count toward it. Last evaluated 2026-01-27.

Conditions:
Schimke immuno-osseous dysplasia (SIOD). Also called: Schimke Immunoosseous Dysplasia. Identifiers: Orphanet 1830, MedGen C0877024, MONDO:0009458, OMIM 242900.
SMARCAL1-related disorder. Also called: SMARCAL1-related condition.

Allele frequency attached by ClinVar (database versions not stated): gnomAD 0.00004 and 0.00005; ESP Exome Variant Server 0.00008; TOPMed 0.00009; ExAC 0.00010.
gnomAD v4.1: 72 of 1,614,210 alleles (0.0045%); highest among the groups gnomAD compares: Admixed American, 0.053%; no homozygotes.

Submissions (4):

Labcorp Genetics (formerly Invitae), Labcorp
Classification: Likely benign for Schimke immuno-osseous dysplasia. Last evaluated: 2026-01-27. Review status: criteria provided, single submitter. Criteria: Invitae Variant Classification Sherloc (09022015). Collection method: clinical testing. Allele origin: germline.

Blueprint Genetics
Classification: Likely benign. Last evaluated: 2024-10-15. Review status: criteria provided, single submitter. Criteria: ACMG Guidelines, 2015. Collection method: clinical testing. Allele origin: germline.

PreventionGenetics, part of Exact Sciences
Classification: Likely benign for SMARCAL1-related condition. Last evaluated: 2020-09-08. Review status: no assertion criteria provided. Collection method: clinical testing. Allele origin: germline. Not counted in ClinVar's aggregate classification.
Comment: This variant is classified as likely benign based on ACMG/AMP sequence variant interpretation guidelines (Richards et al. 2015 PMID: 25741868, with internal and published modifications).

Natera, Inc.
Classification: Likely benign for Schimke immuno-osseous dysplasia. Last evaluated: 2020-02-01. Review status: no assertion criteria provided. Collection method: clinical testing. Allele origin: germline. Not counted in ClinVar's aggregate classification.

NM_014140.4(SMARCAL1):c.1440G>A (p.Pro480=)

Gene: SMARCAL1 (SNF2 related chromatin remodeling annealing helicase 1; plus strand). Cytogenetic location: 2q35.
Variant type: single nucleotide variant.
Coding change: c.1440G>A on transcript NM_014140.4 (MANE Select); coding-DNA position 1440, G replaced by A.
Protein change: p.Pro480=; no amino-acid change (proline 480 retained).
Molecular consequence: synonymous variant.
Genome position (GRCh38, 1-based): chr2:216,432,823, G>A. VCF-style: chr2-216432823-G-A. GRCh37 (hg19) VCF-style: chr2-217297546-G-A.
Other names: c.1440G>A, p.Pro480= (NM_001127207.2).
Identifiers: ClinVar variation 754283 (VCV000754283.16), dbSNP rs367557310, ClinGen allele CA2097884.